The following is an entry in ClinVar:

NM_001127511.3(APC):c.-29_-24dup

Gene: APC (APC regulator of Wnt signaling pathway; plus strand). Cytogenetic location: 5q22.2.
Variant type: Duplication.
Coding change: c.-29_-24dup on transcript NM_001127511.3; 29 bases upstream of the start codon through 24 bases upstream of the start codon, 6 bases duplicated (AGTTGC; older notation c.-29_-24dupAGTTGC).
Molecular consequence: 5 prime UTR variant. On other transcripts: non-coding transcript variant (1), intron variant (5).
Genome position (GRCh38, 1-based): chr5:112,707,689-112,707,694, AGTTGC duplicated; duplicating any 6 consecutive bases within chr5:112,707,688-112,707,694 gives the same sequence; the c. name uses the placement nearest the transcript's 3' end. VCF-style (leftmost placement, unchanged base first): chr5-112707687-T-TCAGTTG. GRCh37 (hg19) VCF-style: chr5-112043384-T-TCAGTTG.
Other names: c.-212_-207dup (NM_001354895.2, NM_001407447.1, NM_001407452.1 and 3 more transcripts); c.-29_-24dup (NM_001354897.2, NM_001354902.2, NM_001407446.1); c.-1247_-1242dup (NM_001407470.1, NM_001407472.1); c.-19+40_-19+45dup (NM_001407448.1, NM_001407450.1, NM_001407457.1 and 1 more transcripts); c.-43+40_-43+45dup (NM_001407453.1).
Identifiers: ClinVar variation 1387033 (VCV001387033.7), dbSNP rs2149630242, ClinGen allele CA2573138795.
Genomic context (GRCh38, chr5:112,707,687, plus strand): 5'-GGTTGGCTCGATGCTGTTCCCAGGTACTGTTGTTGGCTGTTGGTGAGGAAGGTGAAGCAC[T>TCAGTTG]CAGTTGCCTTCTCGGGCCTCGGCGCCCCCTATGTACGCCTCCCTGGGCTCGGGTCCGGTC-3'

ClinVar aggregate classification (germline): Uncertain significance (1 of 4 stars; one submission).

Conditions:
Familial adenomatous polyposis 1 (FAP1). Also called: FAMILIAL ADENOMATOUS POLYPOSIS 1, ATTENUATED; POLYPOSIS, ADENOMATOUS INTESTINAL. Identifiers: MedGen C2713442, MONDO:0021056, OMIM 175100. Disease mechanism: loss of function.

Submission:

Labcorp Genetics (formerly Invitae), Labcorp
Classification: Uncertain significance for Familial adenomatous polyposis 1. Last evaluated: 2025-04-07. Review status: criteria provided, single submitter. Criteria: Invitae Variant Classification Sherloc (09022015). Collection method: clinical testing. Allele origin: germline.
Comment: This variant occurs in a non-coding region of the APC gene. It does not change the encoded amino acid sequence of the APC protein. This variant is not present in population databases (gnomAD no frequency). This variant has not been reported in the literature in individuals affected with APC-related conditions. Experimental studies and prediction algorithms are not available or were not evaluated, and the functional significance of this variant is currently unknown. In summary, the available evidence is currently insufficient to determine the role of this variant in disease. Therefore, it has been classified as a Variant of Uncertain Significance.